The following is an entry in ClinVar:

NM_133259.4(LRPPRC):c.46dup (p.Ala16fs)

Gene: LRPPRC (leucine rich pentatricopeptide repeat containing; minus strand). Cytogenetic location: 2p21.
Variant type: Duplication.
Coding change: c.46dup on transcript NM_133259.4 (MANE Select); coding-DNA position 46, one base duplicated (G; older notation c.46dupG).
Protein change: p.Ala16fs; shifts the reading frame from alanine 16.
Molecular consequence: frameshift variant.
Genome position (GRCh38, 1-based): chr2:43,995,902, C duplicated on the plus strand (G on the coding strand, the reverse complement: LRPPRC is on the minus strand); the first of 4 consecutive C bases (chr2:43,995,902-43,995,905); duplicating any one gives the same sequence. VCF-style (leftmost placement, unchanged base first): chr2-43995901-G-GC. GRCh37 (hg19) VCF-style: chr2-44223040-G-GC.
Other names: short protein forms A16fs.
Identifiers: ClinVar variation 2016441 (VCV002016441.5), dbSNP rs2465901202, ClinGen allele CA2580066523.

ClinVar aggregate classification (germline): Pathogenic. Review status: criteria provided, multiple submitters, no conflicts (2 of 4 stars). 2 submissions from 2 submitters: Pathogenic (2). Last evaluated 2023-09-27.

Conditions:
Congenital lactic acidosis, Saguenay-Lac-Saint-Jean type (MC4DN5). Also called: CYTOCHROME c OXIDASE DEFICIENCY, FRENCH CANADIAN TYPE; COX DEFICIENCY, FRENCH CANADIAN TYPE; MITOCHONDRIAL COMPLEX IV DEFICIENCY, NUCLEAR TYPE 5. Identifiers: Orphanet 70472, MedGen C1857355, MONDO:0009069, OMIM 220111.

Submissions (2):

Myriad Genetics, Inc.
Classification: Pathogenic for Congenital lactic acidosis, Saguenay-Lac-Saint-Jean type. Last evaluated: 2023-09-27. Review status: criteria provided, single submitter. Criteria: Myriad Autosomal Dominant, Autosomal Recessive and X-Linked Classification Criteria (2023). Collection method: clinical testing. Allele origin: unknown.
Comment: NM_133259.3(LRPPRC):c.46dupG(A16Gfs*62) is expected to be pathogenic in the context of Leigh syndrome, French-Canadian type. This variant is predicted to lead to an abnormal or absent protein product due to the creation of a premature termination codon in LRPPRC, a gene where loss-of-function variants are known to be pathogenic. Please note: this variant was assessed in the context of healthy population screening.

Labcorp Genetics (formerly Invitae), Labcorp
Classification: Pathogenic. Last evaluated: 2023-01-14. Review status: criteria provided, single submitter. Criteria: Invitae Variant Classification Sherloc (09022015). Collection method: clinical testing. Allele origin: germline.
Comment: For these reasons, this variant has been classified as Pathogenic. This variant has not been reported in the literature in individuals affected with LRPPRC-related conditions. This variant is not present in population databases (gnomAD no frequency). This sequence change creates a premature translational stop signal (p.Ala16Glyfs*62) in the LRPPRC gene. It is expected to result in an absent or disrupted protein product. Loss-of-function variants in LRPPRC are known to be pathogenic (PMID: 26510951).

Literature cited by the submitters: PubMed 26510951 (cited by Labcorp Genetics (formerly Invitae), Labcorp).